The following is an entry in ClinVar:

NM_023067.4(FOXL2):c.608C>A (p.Ser203Ter)

Gene: FOXL2 (forkhead box L2; minus strand). Cytogenetic location: 3q22.3.
Variant type: single nucleotide variant.
Coding change: c.608C>A on transcript NM_023067.4 (MANE Select); coding-DNA position 608, C replaced by A.
Protein change: p.Ser203Ter; replaces serine 203 with a stop codon.
Molecular consequence: nonsense.
Genome position (GRCh38, 1-based): chr3:138,946,115, G>T on the plus strand (C>A on the coding strand, the complement: FOXL2 is on the minus strand). VCF-style: chr3-138946115-G-T. GRCh37 (hg19) VCF-style: chr3-138664957-G-T.
Other names: short protein forms S203*.
Identifiers: ClinVar variation 4747359 (VCV004747359.1).

ClinVar aggregate classification (germline): Pathogenic (1 of 4 stars; one submission).

Submission:

Labcorp Genetics (formerly Invitae), Labcorp
Classification: Pathogenic. Last evaluated: 2025-08-16. Review status: criteria provided, single submitter. Criteria: Invitae Variant Classification Sherloc (09022015). Collection method: clinical testing. Allele origin: germline.
Comment: This sequence change creates a premature translational stop signal (p.Ser203*) in the FOXL2 gene. While this is not anticipated to result in nonsense mediated decay, it is expected to disrupt the last 174 amino acid(s) of the FOXL2 protein. This variant is not present in population databases (gnomAD no frequency). This premature translational stop signal has been observed in individual(s) with blepharophimosis (PMID: 14986827). This variant disrupts a region of the FOXL2 protein in which other variant(s) (p.Pro307Hisfs*52) have been determined to be pathogenic (PMID: 11468277). This suggests that this is a clinically significant region of the protein, and that variants that disrupt it are likely to be disease-causing. For these reasons, this variant has been classified as Pathogenic.

Literature cited by the submitters: PubMed 14986827; PubMed 11468277.